The following is an entry in ClinVar:

NM_004064.5(CDKN1B):c.591A>C (p.Gln197His)

Gene: CDKN1B (cyclin dependent kinase inhibitor 1B; plus strand). Cytogenetic location: 12p13.1.
Variant type: single nucleotide variant.
Coding change: c.591A>C on transcript NM_004064.5 (MANE Select); coding-DNA position 591, A replaced by C.
Protein change: p.Gln197His; replaces glutamine 197 with histidine.
Molecular consequence: missense variant.
Genome position (GRCh38, 1-based): chr12:12,718,940, A>C. VCF-style: chr12-12718940-A-C. GRCh37 (hg19) VCF-style: chr12-12871874-A-C.
Other names: short protein forms Q197H.
Identifiers: ClinVar variation 3223686 (VCV003223686.1), dbSNP rs2497407776, ClinGen allele CA383973226.

ClinVar aggregate classification (germline): Uncertain significance (1 of 4 stars; one submission).

Conditions:
Hereditary cancer-predisposing syndrome. Also called: Tumor predisposition; Hereditary neoplastic syndrome; Hereditary Cancer Syndrome; Neoplastic Syndromes, Hereditary. Identifiers: Orphanet 140162, MedGen C0027672, MeSH D009386, MONDO:0015356.

Submission:

Ambry Genetics
Classification: Uncertain significance for Hereditary cancer-predisposing syndrome. Last evaluated: 2023-10-16. Review status: criteria provided, single submitter. Criteria: Ambry Variant Classification Scheme 2023. Collection method: clinical testing. Allele origin: germline.
Comment: The p.Q197H variant (also known as c.591A>C), located in coding exon 2 of the CDKN1B gene, results from an A to C substitution at nucleotide position 591. The glutamine at codon 197 is replaced by histidine, an amino acid with highly similar properties. This amino acid position is conserved. In addition, the in silico prediction for this alteration is inconclusive. Since supporting evidence is limited at this time, the clinical significance of this alteration remains unclear.